The following is an entry in ClinVar:

NM_005559.4(LAMA1):c.7717G>A (p.Ala2573Thr)

Genes: LAMA1 (laminin subunit alpha 1; minus strand), LOC126862685 (BRD4-independent group 4 enhancer GRCh37_chr18:6958646-6959845; plus strand). Cytogenetic location: 18p11.31.
Variant type: single nucleotide variant.
Coding change: c.7717G>A on transcript NM_005559.4 (MANE Select); coding-DNA position 7717, G replaced by A.
Protein change: p.Ala2573Thr; replaces alanine 2573 with threonine.
Molecular consequence: missense variant.
Genome position (GRCh38, 1-based): chr18:6,959,402, C>T on the plus strand (G>A on the coding strand, the complement: LAMA1 is on the minus strand). VCF-style: chr18-6959402-C-T. GRCh37 (hg19) VCF-style: chr18-6959401-C-T.
Other names: short protein forms A2573T.
Identifiers: ClinVar variation 4533358 (VCV004533358.1).

ClinVar aggregate classification (germline): Uncertain significance (1 of 4 stars; one submission).

Conditions:
Ataxia - intellectual disability - oculomotor apraxia - cerebellar cysts syndrome. Also called: Poretti-Boltshauser syndrome. Identifiers: Orphanet 370022, MedGen C4014821, MONDO:0014419, OMIM 615960.

gnomAD v4.1: 16 of 1,614,046 alleles (0.00099%); highest among the groups gnomAD compares: Non-Finnish European, 0.0013%; no homozygotes.

Submission:

Daryl Scott Lab, Baylor College of Medicine
Classification: Uncertain significance for Ataxia - intellectual disability - oculomotor apraxia - cerebellar cysts syndrome. Last evaluated: 2025-08-25. Review status: criteria provided, single submitter. Criteria: ACMG Guidelines, 2015. Collection method: clinical testing. Allele origin: maternal. Affected: yes. Observed: 1 heterozygote.
Comment: BP4